The following is an entry in ClinVar:

ClinVar aggregate classification (germline): Conflicting classifications of pathogenicity. Review status: criteria provided, conflicting classifications (1 of 4 stars). 3 submissions from 3 submitters: Uncertain significance (2); Likely benign (1). Last evaluated 2026-02-01.

Conditions:
Inborn genetic diseases. Identifiers: MedGen C0950123, MeSH D030342.

Allele frequency attached by ClinVar (database versions not stated): ExAC 0.00003; gnomAD 0.00006; gnomAD exomes 0.00006; TOPMed 0.00009; ESP Exome Variant Server 0.00015; 1000 Genomes Project 0.00020; 1000 Genomes Project 30x 0.00031.
gnomAD v4.1: 204 of 1,613,888 alleles (0.013%); highest among the groups gnomAD compares: Non-Finnish European, 0.016%; 1 homozygote.

Submissions (3):

Labcorp Genetics (formerly Invitae), Labcorp
Classification: Uncertain significance. Last evaluated: 2026-02-01. Review status: criteria provided, single submitter. Criteria: Invitae Variant Classification Sherloc (09022015). Collection method: clinical testing. Allele origin: germline.
Comment: This sequence change replaces glutamine, which is neutral and polar, with histidine, which is basic and polar, at codon 2346 of the DCHS1 protein (p.Gln2346His). This variant is present in population databases (rs372494965, gnomAD 0.01%). This variant has not been reported in the literature in individuals affected with DCHS1-related conditions. ClinVar contains an entry for this variant (Variation ID: 1421349). An algorithm developed to predict the effect of missense changes on protein structure and function outputs the following: PolyPhen-2: "Benign". The histidine amino acid residue is found in multiple mammalian species, which suggests that this missense change does not adversely affect protein function. In summary, the available evidence is currently insufficient to determine the role of this variant in disease. Therefore, it has been classified as a Variant of Uncertain Significance.

Women's Health and Genetics/Laboratory Corporation of America, LabCorp
Classification: Uncertain significance. Last evaluated: 2025-10-28. Review status: criteria provided, single submitter. Criteria: LabCorp Variant Classification Summary - May 2015. Collection method: clinical testing. Allele origin: germline.
Comment: Variant summary: DCHS1 c.7038G>T (p.Gln2346His) results in a non-conservative amino acid change in the encoded protein sequence. Algorithms developed to predict the effect of missense changes on protein structure and function are either unavailable or do not agree on the potential impact of this missense change. The variant allele was found at a frequency of 6.4e-05 in 250578 control chromosomes. This frequency is not significantly higher than estimated for disease-causing variants in DCHS1, allowing no conclusion about variant significance. To our knowledge, no occurrence of c.7038G>T in individuals affected with DCHS1-related conditions and no experimental evidence demonstrating its impact on protein function have been reported. ClinVar contains an entry for this variant (Variation ID: 1421349). Based on the evidence outlined above, the variant was classified as uncertain significance.

Ambry Genetics
Classification: Likely benign for Inborn genetic diseases. Last evaluated: 2024-12-22. Review status: criteria provided, single submitter. Criteria: Ambry Variant Classification Scheme 2023. Collection method: clinical testing. Allele origin: germline.

NM_003737.4(DCHS1):c.7038G>T (p.Gln2346His)

Gene: DCHS1 (dachsous cadherin-related 1; minus strand). Cytogenetic location: 11p15.4.
Variant type: single nucleotide variant.
Coding change: c.7038G>T on transcript NM_003737.4 (MANE Select); coding-DNA position 7038, G replaced by T.
Protein change: p.Gln2346His; replaces glutamine 2346 with histidine.
Molecular consequence: missense variant.
Genome position (GRCh38, 1-based): chr11:6,625,306, C>A on the plus strand (G>T on the coding strand, the complement: DCHS1 is on the minus strand). VCF-style: chr11-6625306-C-A. GRCh37 (hg19) VCF-style: chr11-6646537-C-A.
Other names: c.7038G>T (NM_003737.2); short protein forms Q2346H.
Identifiers: ClinVar variation 1421349 (VCV001421349.8), dbSNP rs372494965, ClinGen allele CA5859707.